The following is an entry in ClinVar:

ClinVar aggregate classification (germline): Uncertain significance. Review status: criteria provided, multiple submitters, no conflicts (2 of 4 stars). 2 submissions from 2 submitters: Uncertain significance (2). Last evaluated 2025-05-27.

Conditions:
Hereditary sensory and autonomic neuropathy type 1 (HSAN1). Also called: HSAN 1; HSN Type I; Hereditary Sensory Neuropathy Type I. Identifiers: Orphanet 36386, MedGen C0020071, MONDO:0018213.
SPTLC1-related disorder. Also called: SPTLC1-related condition.

Allele frequency attached by ClinVar (database versions not stated): gnomAD exomes below 0.00001; gnomAD 0.00001; ExAC 0.00001.
gnomAD v4.1: 3 of 1,613,092 alleles (0.00019%); highest among the groups gnomAD compares: African/African-American, 0.0013%; no homozygotes.

Submissions (2):

PreventionGenetics, part of Exact Sciences
Classification: Uncertain significance for SPTLC1-related condition. Last evaluated: 2025-05-27. Review status: criteria provided, single submitter. Criteria: ACMG Guidelines, 2015. Collection method: clinical testing. Allele origin: germline.
Comment: The SPTLC1 c.910A>G variant is predicted to result in the amino acid substitution p.Ser304Gly. To our knowledge, this variant has not been reported in the literature. This variant is reported in 0.0040% of alleles in individuals of African descent in gnomAD. At this time, the clinical significance of this variant is uncertain due to the absence of conclusive functional and genetic evidence.

Labcorp Genetics (formerly Invitae), Labcorp
Classification: Uncertain significance for Hereditary sensory and autonomic neuropathy type 1. Last evaluated: 2020-04-20. Review status: criteria provided, single submitter. Criteria: Invitae Variant Classification Sherloc (09022015). Collection method: clinical testing. Allele origin: germline.
Comment: This sequence change replaces serine with glycine at codon 304 of the SPTLC1 protein (p.Ser304Gly). The serine residue is highly conserved and there is a small physicochemical difference between serine and glycine. This variant is present in population databases (rs763065459, ExAC 0.002%). This variant has not been reported in the literature in individuals with SPTLC1-related disease. Algorithms developed to predict the effect of missense changes on protein structure and function (SIFT, PolyPhen-2, Align-GVGD) all suggest that this variant is likely to be tolerated, but these predictions have not been confirmed by published functional studies and their clinical significance is uncertain. In summary, the available evidence is currently insufficient to determine the role of this variant in disease. Therefore, it has been classified as a Variant of Uncertain Significance.

NM_006415.4(SPTLC1):c.910A>G (p.Ser304Gly)

Gene: SPTLC1 (serine palmitoyltransferase long chain base subunit 1; minus strand). Cytogenetic location: 9q22.31.
Variant type: single nucleotide variant.
Coding change: c.910A>G on transcript NM_006415.4 (MANE Select); coding-DNA position 910, A replaced by G.
Protein change: p.Ser304Gly; replaces serine 304 with glycine.
Molecular consequence: missense variant.
Genome position (GRCh38, 1-based): chr9:92,047,687, T>C on the plus strand (A>G on the coding strand, the complement: SPTLC1 is on the minus strand). VCF-style: chr9-92047687-T-C. GRCh37 (hg19) VCF-style: chr9-94809969-T-C.
Other names: c.910A>G, p.Ser304Gly (NM_001281303.2); c.544A>G, p.Ser182Gly (NM_001368272.1); c.445A>G, p.Ser149Gly (NM_001368273.1); short protein forms S304G, S182G, S149G.
Identifiers: ClinVar variation 566591 (VCV000566591.9), dbSNP rs763065459, ClinGen allele CA5121384.